The following is an entry in ClinVar:

ClinVar aggregate classification (germline): Uncertain significance (1 of 4 stars; one submission).

Submission:

Women's Health and Genetics/Laboratory Corporation of America, LabCorp
Classification: Uncertain significance. Last evaluated: 2025-06-27. Review status: criteria provided, single submitter. Criteria: LabCorp Variant Classification Summary - May 2015. Collection method: clinical testing. Allele origin: germline.
Comment: Variant summary: NPHS2 c.345G>A (p.Met115Ile) results in a conservative amino acid change in the encoded protein sequence. Algorithms developed to predict the effect of missense changes on protein structure and function are either unavailable or do not agree on the potential impact of this missense change. The variant was absent in 251360 control chromosomes. The available data on variant occurrences in the general population are insufficient to allow any conclusion about variant significance. To our knowledge, no occurrence of c.345G>A in individuals affected with Nephrotic Syndrome, Type 2 and no experimental evidence demonstrating its impact on protein function have been reported. No submitters have cited clinical-significance assessments for this variant to ClinVar. Based on the evidence outlined above, the variant was classified as uncertain significance.

NM_014625.4(NPHS2):c.345G>A (p.Met115Ile)

Gene: NPHS2 (NPHS2 stomatin family member, podocin; minus strand). Cytogenetic location: 1q25.2.
Variant type: single nucleotide variant.
Coding change: c.345G>A on transcript NM_014625.4 (MANE Select); coding-DNA position 345, G replaced by A.
Protein change: p.Met115Ile; replaces methionine 115 with isoleucine.
Molecular consequence: missense variant.
Genome position (GRCh38, 1-based): chr1:179,564,723, C>T on the plus strand (G>A on the coding strand, the complement: NPHS2 is on the minus strand). VCF-style: chr1-179564723-C-T. GRCh37 (hg19) VCF-style: chr1-179533858-C-T.
Other names: c.345G>A, p.Met115Ile (NM_001297575.2); short protein forms M115I.
Identifiers: ClinVar variation 3907137 (VCV003907137.1).
Genomic context (GRCh38, chr1:179,564,723, plus strand): 5'-ACCTATTGGGTCCTTATGGAATCTCACCTTTACGCAGAACCAGATGGAAAAAGGGAAGGT[C>T]ATGATGATGAAGAGCAGGGAAATGAGGACAAGAAGCCACTCACAGGCCCCTAAGCCGGAG-3'
Protein context (NP_055440.1, residues 105-125): LVLISLLFII[Met115Ile]TFPFSIWFCV